The following is an entry in ClinVar:

NM_001458.5(FLNC):c.7365del (p.Cys2454_Tyr2455insTer)

Genes: FLNC (filamin C; plus strand), FLNC-AS1 (FLNC antisense RNA 1; minus strand). Cytogenetic location: 7q32.1.
Variant type: Deletion.
Coding change: c.7365del on transcript NM_001458.5 (MANE Select); coding-DNA position 7365, one base deleted (C; older notation c.7365delC).
Protein change: p.Cys2454_Tyr2455insTer.
Molecular consequence: nonsense. On other transcripts: frameshift variant (1).
Genome position (GRCh38, 1-based): chr7:128,856,631, C deleted. VCF-style (leftmost placement, unchanged base first): chr7-128856630-AC-A. GRCh37 (hg19) VCF-style: chr7-128496684-AC-A.
Other names: c.7266del, p.Cys2421_Tyr2422insTer (NM_001127487.2); c.7365delC, p.Tyr2455Terfs (NM_001458.4).
Identifiers: ClinVar variation 2504662 (VCV002504662.2), dbSNP rs2536669790, ClinGen allele CA1682913317.

ClinVar aggregate classification (germline): Pathogenic/Likely pathogenic. Review status: criteria provided, multiple submitters, no conflicts (2 of 4 stars). 2 submissions from 2 submitters: Pathogenic (1); Likely pathogenic (1). Last evaluated 2025-05-15.

Conditions:
Myofibrillar myopathy 5. Also called: Filaminopathy (type); FILAMINOPATHY, AUTOSOMAL DOMINANT. Identifiers: Orphanet 171445, MedGen C1836050, MONDO:0012289, OMIM 609524.
Distal myopathy with posterior leg and anterior hand involvement. Also called: WILLIAMS DISTAL MYOPATHY. Identifiers: Orphanet 63273, MedGen C3279722, MONDO:0013550, OMIM 614065.
Hypertrophic cardiomyopathy 26. Also called: Cardiomyopathy, familial hypertrophic, 26. Identifiers: Orphanet 75249, MedGen C4310749, MONDO:0014883, OMIM 617047.

Submissions (2):

Labcorp Genetics (formerly Invitae), Labcorp
Classification: Pathogenic for Distal myopathy with posterior leg and anterior hand involvement; Myofibrillar myopathy 5; Hypertrophic cardiomyopathy 26. Last evaluated: 2025-05-15. Review status: criteria provided, single submitter. Criteria: Invitae Variant Classification Sherloc (09022015). Collection method: clinical testing. Allele origin: germline.
Comment: This sequence change creates a premature translational stop signal (p.Tyr2455*) in the FLNC gene. It is expected to result in an absent or disrupted protein product. Loss-of-function variants in FLNC are known to be pathogenic (PMID: 27908349). This variant is not present in population databases (gnomAD no frequency). This variant has not been reported in the literature in individuals affected with FLNC-related conditions. ClinVar contains an entry for this variant (Variation ID: 2504662). For these reasons, this variant has been classified as Pathogenic.

GeneDx
Classification: Likely pathogenic. Last evaluated: 2022-12-12. Review status: criteria provided, single submitter. Criteria: GeneDx Variant Classification Process June 2021. Collection method: clinical testing. Allele origin: germline. Affected: yes.
Comment: Reported as part of a study analyzing disease-penetrance of FLNC loss-of-function variants in individuals who were unaffected at the time of testing; proband-specific details were not provided (Carruth et al., 2022); Not observed at significant frequency in large population cohorts (gnomAD); Nonsense variant predicted to result in protein truncation or nonsense mediated decay in a gene for which loss of function is a known mechanism of disease; This variant is associated with the following publications: (PMID: 35699965)

Literature cited by the submitters: PubMed 27908349 (cited by Labcorp Genetics (formerly Invitae), Labcorp).